The following is an entry in ClinVar:

NM_001127511.3(APC):c.165+23128C>A

Gene: APC (APC regulator of Wnt signaling pathway; plus strand). Cytogenetic location: 5q22.2.
Variant type: single nucleotide variant.
Coding change: c.165+23128C>A on transcript NM_001127511.3; 23128 bases into the intron after coding-DNA position 165, C replaced by A.
Molecular consequence: intron variant.
Genome position (GRCh38, 1-based): chr5:112,731,010, C>A. VCF-style: chr5-112731010-C-A. GRCh37 (hg19) VCF-style: chr5-112066707-C-A.
Other names: c.-1054+23128C>A (NM_001407470.1, NM_001407472.1); c.-19+23128C>A (NM_001407447.1, NM_001354895.2, NM_001407456.1 and 3 more transcripts); c.165+23128C>A (NM_001407446.1, NM_001354897.2, NM_001354902.2); c.-19+23361C>A (NM_001407448.1, NM_001407450.1, NM_001407457.1 and 1 more transcripts); c.-43+23361C>A (NM_001407453.1).
Identifiers: ClinVar variation 82716 (VCV000082716.4), dbSNP rs74691776, ClinGen allele CA023555.

ClinVar aggregate classification (germline): other (0 of 4 stars; one submission).

Conditions:
Familial colorectal cancer. Identifiers: MedGen CN280943, MONDO:0023113. Disease mechanism: loss of function.

Submission:

Systems Biology Platform Zhejiang California International NanoSystems Institute
Classification: other for Familial colorectal cancer. Review status: no assertion criteria provided. Collection method: not provided. Allele origin: unknown.
ClinVar note: Converted during submission from cancer to other.